The following is an entry in ClinVar:

NM_003322.6(TULP1):c.1171_1172insTTGGCCGGGCGCGGTGGCGCACGCCGGGAATCCCCGCACGATGGGAGGCCGAGGCCCGCGGATCACGTGGTCAGGAGATCGAGGCCNNNNNNNNNNAAAAAAAAAAAAAAAAAAAAAGAACCCACAGCGTG (p.Gly391fs)

Gene: TULP1 (TUB like protein 1; minus strand). Cytogenetic location: 6p21.31.
Variant type: Insertion.
Coding change: c.1171_1172insTTGGCCGGGCGCGGTGGCGCACGCCGGGAATCCCCGCACGATGGGAGGCCGAGGCCCGCGGATCACGTGGTCAGGAGATCGAGGCCNNNNNNNNNNAAAAAAAAAAAAAAAAAAAAAGAACCCACAGCGTG on transcript NM_003322.6 (MANE Select); coding-DNA positions 1171 to 1172, TTGGCCGGGCGCGGTGGCGCACGCCGGGAATCCCCGCACGATGGGAGGCCGAGGCCCGCGGATCACGTGGTCAGGAGATCGAGGCCNNNNNNNNNNAAAAAAAAAAAAAAAAAAAAAGAACCCACAGCGTG inserted.
Protein change: p.Gly391fs; shifts the reading frame from glycine 391.
Molecular consequence: frameshift variant.
Genome position: GRCh38: chr6:35,503,804-35,503,805. GRCh37 (hg19): chr6:35,471,581-35,471,582.
Other names: c.1012_1013insTTGGCCGGGCGCGGTGGCGCACGCCGGGAATCCCCGCACGATGGGAGGCCGAGGCCCGCGGATCACGTGGTCAGGAGATCGAGGCCNNNNNNNNNNAAAAAAAAAAAAAAAAAAAAAGAACCCACAGCGTG, p.Gly338fs (NM_001289395.2); short protein forms G338fs, G391fs.
Identifiers: ClinVar variation 2698982 (VCV002698982.3), dbSNP rs2533788713.

ClinVar aggregate classification (germline): Pathogenic (1 of 4 stars; one submission).

Submission:

Labcorp Genetics (formerly Invitae), Labcorp
Classification: Pathogenic. Last evaluated: 2023-11-25. Review status: criteria provided, single submitter. Criteria: Invitae Variant Classification Sherloc (09022015). Collection method: clinical testing. Allele origin: germline.
Comment: This sequence change inserts a large fragment of DNA, likely a transposable element, in exon 12 of the TULP1 gene (c.1171_1172ins?), causing a frameshift at codon 391 (p.Gly391fs). The exact size and sequence of the insertion cannot be determined by the current assay. However, the insertion is expected to result in an absent or disrupted protein product. This variant is not present in population databases (gnomAD no frequency). This variant has not been reported in the literature in individuals affected with TULP1-related conditions. Retrotransposon insertions including LINE1 (L1), Alu, and SVA (SINE-VNTR-Alu) have been reported to be disease-causing through disruption of either a coding region or splice site (PMID: 19763152, 20307669, 22406018) and loss-of-function variants in TULP1 are known to be pathogenic (PMID: 8606774, 10549638, 15024725, 18055821). For these reasons, this variant has been classified as Pathogenic.

Literature cited by the submitters: PubMed 19763152; PubMed 20307669; PubMed 22406018; PubMed 8606774; PubMed 10549638; PubMed 15024725; PubMed 18055821.